The following is an entry in ClinVar:

ClinVar aggregate classification (germline): Conflicting classifications of pathogenicity. Review status: criteria provided, conflicting classifications (1 of 4 stars). 2 submissions from 2 submitters: Uncertain significance (1); Likely benign (1). Last evaluated 2024-11-19.

Conditions:
Hereditary cancer-predisposing syndrome. Also called: Hereditary neoplastic syndrome; Neoplastic Syndromes, Hereditary; Tumor predisposition; Hereditary Cancer Syndrome. Identifiers: Orphanet 140162, MedGen C0027672, MeSH D009386, MONDO:0015356.
Ataxia-telangiectasia syndrome (AT). Also called: Ataxia telangiectasia (A-T); LOUIS-BAR SYNDROME; Cerebello-oculocutaneous telangiectasia; Immunodeficiency with ataxia telangiectasia; Ataxia-telangiectasia, complementation group D; AT, COMPLEMENTATION GROUP C. Identifiers: Orphanet 100, MedGen C0004135, MONDO:0008840, OMIM 208900.

Submissions (2):

Ambry Genetics
Classification: Likely benign for Hereditary cancer-predisposing syndrome. Last evaluated: 2024-11-19. Review status: criteria provided, single submitter. Criteria: Ambry Variant Classification Scheme 2023. Collection method: clinical testing. Allele origin: germline.

Labcorp Genetics (formerly Invitae), Labcorp
Classification: Uncertain significance for Ataxia-telangiectasia syndrome. Last evaluated: 2024-04-09. Review status: criteria provided, single submitter. Criteria: Invitae Variant Classification Sherloc (09022015). Collection method: clinical testing. Allele origin: germline.
Comment: This sequence change replaces asparagine, which is neutral and polar, with aspartic acid, which is acidic and polar, at codon 2326 of the ATM protein (p.Asn2326Asp). This variant is not present in population databases (gnomAD no frequency). This variant has not been reported in the literature in individuals affected with ATM-related conditions. ClinVar contains an entry for this variant (Variation ID: 1756401). Algorithms developed to predict the effect of missense changes on protein structure and function output the following: SIFT: "Not Available"; PolyPhen-2: "Benign"; Align-GVGD: "Not Available". The aspartic acid amino acid residue is found in multiple mammalian species, which suggests that this missense change does not adversely affect protein function. In summary, the available evidence is currently insufficient to determine the role of this variant in disease. Therefore, it has been classified as a Variant of Uncertain Significance.

NM_000051.4(ATM):c.6976A>G (p.Asn2326Asp)

Genes: ATM (ATM serine/threonine kinase; plus strand), C11orf65 (chromosome 11 open reading frame 65; minus strand). Cytogenetic location: 11q22.3.
Variant type: single nucleotide variant.
Coding change: c.6976A>G on transcript NM_000051.4 (MANE Select); coding-DNA position 6976, A replaced by G.
Protein change: p.Asn2326Asp; replaces asparagine 2326 with aspartic acid.
Molecular consequence: missense variant. On other transcripts: intron variant (2).
Genome position (GRCh38, 1-based): chr11:108,327,645, A>G. VCF-style: chr11-108327645-A-G. GRCh37 (hg19) VCF-style: chr11-108198372-A-G.
Other names: c.6976A>G, p.Asn2326Asp (NM_001351834.2); c.641-18574T>C (NM_001330368.2); c.*38+7575T>C (NM_001351110.2); short protein forms N2326D.
Identifiers: ClinVar variation 1756401 (VCV001756401.6), dbSNP rs2136372788, ClinGen allele CA382557719.